The following is an entry in ClinVar:

NM_007194.4(CHEK2):c.568_569delinsTG (p.Ala190Ter)

Gene: CHEK2 (checkpoint kinase 2; minus strand). Cytogenetic location: 22q12.1.
Variant type: Indel.
Coding change: c.568_569delinsTG on transcript NM_007194.4 (MANE Select); coding-DNA positions 568 to 569, GC replaced by TG.
Protein change: p.Ala190Ter; replaces alanine 190 with a stop codon.
Molecular consequence: nonsense. On other transcripts: 5 prime UTR variant (2), intron variant (1).
Genome position (GRCh38, 1-based): chr22:28,725,000-28,725,001, GC replaced by CA on the plus strand (GC replaced by TG on the coding strand, the reverse complement: CHEK2 is on the minus strand). VCF-style: chr22-28725000-GC-CA. GRCh37 (hg19) VCF-style: chr22-29120988-GC-CA.
Other names: c.697_698delinsTG, p.Ala233Ter (NM_001005735.3, NM_001438294.1); c.-210_-209delinsTG (NM_001257387.3); c.-96_-95delinsTG (NM_001437942.1); c.661_662delinsTG, p.Ala221Ter (NM_001438293.1, NM_001438295.1); c.568_569delinsTG, p.Ala190Ter (NM_145862.3); c.445-78_445-77delinsTG (NM_001349956.3); short protein forms A233*, A190*, A221*.
Identifiers: ClinVar variation 2027449 (VCV002027449.4), dbSNP rs1601823008, ClinGen allele CA2580099414.

ClinVar aggregate classification (germline): Pathogenic (1 of 4 stars; one submission).

Conditions:
Familial cancer of breast. Also called: hereditary breast carcinoma; BREAST CANCER, FAMILIAL; Hereditary breast cancer. Identifiers: Orphanet 227535, MedGen C0346153, MONDO:0016419, OMIM 114480. Disease mechanism: loss of function.

Submission:

Labcorp Genetics (formerly Invitae), Labcorp
Classification: Pathogenic for Familial cancer of breast. Last evaluated: 2022-08-27. Review status: criteria provided, single submitter. Criteria: Invitae Variant Classification Sherloc (09022015). Collection method: clinical testing. Allele origin: germline.
Comment: For these reasons, this variant has been classified as Pathogenic. This variant has not been reported in the literature in individuals affected with CHEK2-related conditions. Information on the frequency of this variant in the gnomAD database is not available, as this variant may be reported differently in the database. This sequence change creates a premature translational stop signal (p.Ala190*) in the CHEK2 gene. It is expected to result in an absent or disrupted protein product. Loss-of-function variants in CHEK2 are known to be pathogenic (PMID: 21876083, 24713400).

Literature cited by the submitters: PubMed 21876083; PubMed 24713400.